The following is an entry in ClinVar:

NM_019842.4(KCNQ5):c.1668T>C (p.Gly556=)

Gene: KCNQ5 (potassium voltage-gated channel subfamily Q member 5; plus strand). Cytogenetic location: 6q13.
Variant type: single nucleotide variant.
Coding change: c.1668T>C on transcript NM_019842.4 (MANE Select); coding-DNA position 1668, T replaced by C.
Protein change: p.Gly556=; no amino-acid change (glycine 556 retained).
Molecular consequence: synonymous variant.
Genome position (GRCh38, 1-based): chr6:73,190,663, T>C. VCF-style: chr6-73190663-T-C. GRCh37 (hg19) VCF-style: chr6-73900386-T-C.
Other names: c.1641T>C, p.Gly547= (NM_001160130.2); c.1698T>C, p.Gly566= (NM_001160132.2); c.1725T>C, p.Gly575= (NM_001160133.2); c.1338T>C, p.Gly446= (NM_001160134.2).
Identifiers: ClinVar variation 5040448 (VCV005040448.1).
Genomic context (GRCh38, chr6:73,190,663, plus strand): 5'-GTTTAAGGAAACATTACGTCCATATGATGTAAAAGATGTCATTGAACAATATTCTGCTGG[T>C]CATCTGGACATGTTGTGTAGAATTAAAAGCCTTCAAACACGGTAAGCAATGGAAATGTCA-3'
Protein context (NP_062816.2, residues 546-566): VKDVIEQYSA[Gly556=]HLDMLCRIKS

ClinVar aggregate classification (germline): Likely benign (1 of 4 stars; one submission).

Submission:

CeGaT Center for Human Genetics Tuebingen
Classification: Likely benign. Last evaluated: 2026-08-01. Review status: criteria provided, single submitter. Criteria: CeGaT Center For Human Genetics Tuebingen Variant Classification Criteria Version 2. Collection method: clinical testing. Allele origin: germline. Affected: yes. Observed: 1 variant allele.
Comment: KCNQ5: PM2:Supporting, BP4, BP7